The following is an entry in ClinVar:

NM_001289125.3(IFNAR2):c.841-44dup

Genes: IFNAR2 (interferon alpha and beta receptor subunit 2; plus strand), IFNAR2-IL10RB (IFNAR2-IL10RB readthrough; plus strand). Cytogenetic location: 21q22.11.
Variant type: Duplication.
Coding change: c.841-44dup on transcript NM_001289125.3 (MANE Select); 44 bases into the intron before coding-DNA position 841, one base duplicated (T; older notation c.841-44dupT).
Molecular consequence: intron variant. On other transcripts: 3 prime UTR variant (3).
Genome position (GRCh38, 1-based): chr21:33,262,749, T duplicated. VCF-style (leftmost placement, unchanged base first): chr21-33262748-G-GT. GRCh37 (hg19) VCF-style: chr21-34635053-G-GT.
Other names: c.*33dup (NM_000874.5, NM_207584.3); c.*172dup (NM_001385054.1); c.710-5645dup (NM_001414505.1); c.710-44dup (NM_001289128.2, NM_001289126.2); c.841-44dup (NM_207585.3, NM_001385055.1).
Identifiers: ClinVar variation 2688036 (VCV002688036.2), dbSNP rs3216172, ClinGen allele CA10005842.
Genomic context (GRCh38, chr21:33,262,748, plus strand): 5'-AGCGTGCATCCCTGTGCCCCAGTGATTAAGTTTTATTATGTAGAAAATAAAGAGCAAACA[G>GT]TACAGCTGATACGGACTCTCTCTCTCTTTTTTTTTTTTTTTAAGAATTTTCATAACTTTT-3'

ClinVar aggregate classification (germline): Benign (1 of 4 stars; one submission).

Allele frequency attached by ClinVar (database versions not stated): gnomAD exomes 0.33052; gnomAD 0.36299; TOPMed 0.36420; ExAC 0.38999; 1000 Genomes Project 0.45148; 1000 Genomes Project 30x 0.45237.

Submission:

Unidad de Genómica Garrahan, Hospital de Pediatría Garrahan
Classification: Benign. Last evaluated: 2024-01-24. Review status: criteria provided, single submitter. Criteria: ACMG Guidelines, 2015. Collection method: clinical testing. Allele origin: germline. Affected: no. Observed: 62 variant alleles.
Comment: This variant is classified as Benign based on local population frequency. This variant was detected in 65% of patients studied by a panel of primary immunodeficiencies. Number of patients: 62. Only high quality variants are reported.